The following is an entry in ClinVar:

NM_015450.3(POT1):c.1163+6T>C

Gene: POT1 (protection of telomeres 1; minus strand). Cytogenetic location: 7q31.33.
Variant type: single nucleotide variant.
Coding change: c.1163+6T>C on transcript NM_015450.3 (MANE Select); 6 bases into the intron after coding-DNA position 1163, T replaced by C.
Molecular consequence: intron variant.
Genome position (GRCh38, 1-based): chr7:124,842,801, A>G on the plus strand (T>C on the coding strand, the complement: POT1 is on the minus strand). VCF-style: chr7-124842801-A-G. GRCh37 (hg19) VCF-style: chr7-124482855-A-G.
Other names: c.770+6T>C (NM_001042594.2).
Identifiers: ClinVar variation 2846499 (VCV002846499.3), dbSNP rs2485401483, ClinGen allele CA2739279603.

ClinVar aggregate classification (germline): Uncertain significance (1 of 4 stars; one submission).

Conditions:
Tumor predisposition syndrome 3 (TPDS3). Also called: LONG TELOMERE SYNDROME, POT1-RELATED; POT1 Tumor Predisposition; Melanoma, cutaneous malignant, susceptibility to, 10; Glioma susceptibility 9. Identifiers: Orphanet 618, MedGen C4014476, MONDO:0014368, OMIM 615848.

Submission:

Labcorp Genetics (formerly Invitae), Labcorp
Classification: Uncertain significance for Tumor predisposition syndrome 3. Last evaluated: 2023-03-17. Review status: criteria provided, single submitter. Criteria: Invitae Variant Classification Sherloc (09022015). Collection method: clinical testing. Allele origin: germline.
Comment: In summary, the available evidence is currently insufficient to determine the role of this variant in disease. Therefore, it has been classified as a Variant of Uncertain Significance. Variants that disrupt the consensus splice site are a relatively common cause of aberrant splicing (PMID: 17576681, 9536098). Algorithms developed to predict the effect of sequence changes on RNA splicing suggest that this variant may disrupt the consensus splice site. This variant has not been reported in the literature in individuals affected with POT1-related conditions. This variant is not present in population databases (gnomAD no frequency). This sequence change falls in intron 13 of the POT1 gene. It does not directly change the encoded amino acid sequence of the POT1 protein. It affects a nucleotide within the consensus splice site.

Literature cited by the submitters: PubMed 17576681; PubMed 9536098.